The following is an entry in ClinVar:

ClinVar aggregate classification (germline): Pathogenic (1 of 4 stars; one submission).

Conditions:
Angelman syndrome (AS). Also called: HAPPY PUPPET SYNDROME. Identifiers: Orphanet 72, MedGen C0162635, MONDO:0007113, OMIM 105830. Disease mechanism: loss of function. Inheritance: AS is caused by disruption of maternally imprinted UBE3A located within the 15q11.2-q13 Angelman syndrome/Prader-Willi syndrome (AS/PWS) region., imprinting disorder.

Submission:

Labcorp Genetics (formerly Invitae), Labcorp
Classification: Pathogenic for Angelman syndrome. Last evaluated: 2024-08-15. Review status: criteria provided, single submitter. Criteria: Invitae Variant Classification Sherloc (09022015). Collection method: clinical testing. Allele origin: germline.
Comment: This sequence change creates a premature translational stop signal (p.Gly623Glufs*17) in the UBE3A gene. It is expected to result in an absent or disrupted protein product. Loss-of-function variants in UBE3A are known to be pathogenic (PMID: 25212744). This variant is not present in population databases (gnomAD no frequency). This variant has not been reported in the literature in individuals affected with UBE3A-related conditions. For these reasons, this variant has been classified as Pathogenic.

Literature cited by the submitters: PubMed 25212744.

NM_130839.5(UBE3A):c.1920del (p.Gly643fs)

Genes: SNHG14 (small nucleolar RNA host gene 14; plus strand), UBE3A (ubiquitin protein ligase E3A; minus strand). Cytogenetic location: 15q11.2.
Variant type: Deletion.
Coding change: c.1920del on transcript NM_130839.5 (MANE Select); coding-DNA position 1920, one base deleted (G; older notation c.1920delG).
Protein change: p.Gly643fs; shifts the reading frame from glycine 643.
Molecular consequence: frameshift variant. On other transcripts: non-coding transcript variant (1).
Genome position (GRCh38, 1-based): chr15:25,356,730, C deleted on the plus strand (G on the coding strand, the reverse complement: UBE3A is on the minus strand); the first of 4 consecutive C bases (chr15:25,356,730-25,356,733); deleting any one gives the same sequence. VCF-style (leftmost placement, unchanged base first): chr15-25356729-TC-T. GRCh37 (hg19) VCF-style: chr15-25601876-TC-T.
Other names: c.1929del, p.Gly646fs (NM_000462.5); c.1920del, p.Gly643fs (NM_001354505.1, NM_001354538.2, NM_001354545.2); c.1860del, p.Gly623fs (NM_001354506.2, NM_001354507.2, NM_001354508.2 and 17 more transcripts); c.1743del, p.Gly584fs (NM_001354546.2); c.669del, p.Gly226fs (NM_001354550.2); c.609del, p.Gly206fs (NM_001354551.2); short protein forms G206fs, G643fs, G226fs, G623fs, G584fs, G646fs.
Identifiers: ClinVar variation 3662525 (VCV003662525.2).